The following is an entry in ClinVar:

NM_007294.4(BRCA1):c.5046A>G (p.Glu1682=)

Gene: BRCA1 (BRCA1 DNA repair associated; minus strand). Cytogenetic location: 17q21.31.
Variant type: single nucleotide variant.
Coding change: c.5046A>G on transcript NM_007294.4 (MANE Select); coding-DNA position 5046, A replaced by G.
Protein change: p.Glu1682=; no amino-acid change (glutamic acid 1682 retained).
Molecular consequence: synonymous variant. On other transcripts: intron variant (1).
Genome position (GRCh38, 1-based): chr17:43,067,636, T>C on the plus strand (A>G on the coding strand, the complement: BRCA1 is on the minus strand). VCF-style: chr17-43067636-T-C. GRCh37 (hg19) VCF-style: chr17-41219653-T-C.
Other names: c.1617A>G, p.Glu539= (NM_001408423.1, NM_001408424.1, NM_001408421.1 and 1 more transcripts); c.1614A>G, p.Glu538= (NM_001408425.1, NM_001408426.1, NM_001408427.1 and 4 more transcripts); c.1611A>G, p.Glu537= (NM_001408432.1, NM_001408433.1, NM_001408434.1 and 10 more transcripts); c.1608A>G, p.Glu536= (NM_001408445.1, NM_001408446.1, NM_001408447.1 and 2 more transcripts); c.1602A>G, p.Glu534= (NM_001408451.1); c.1596A>G, p.Glu532= (NM_001408452.1, NM_001408453.1, NM_001408454.1 and 3 more transcripts); c.1593A>G, p.Glu531= (NM_001408458.1, NM_001408459.1, NM_001408460.1 and 7 more transcripts); c.1590A>G, p.Glu530= (NM_001408468.1, NM_001408469.1, NM_001408470.1); and 71 more.
Identifiers: ClinVar variation 867571 (VCV000867571.3), dbSNP rs2052167113, ClinGen allele CA500146332.

Conditions:
Breast-ovarian cancer, familial, susceptibility to, 1 (BROVCA1). Also called: BRCA1 Hereditary Breast and Ovarian Cancer; OVARIAN CANCER, SUSCEPTIBILITY TO. Identifiers: Orphanet 145, MedGen C2676676, MONDO:0011450, OMIM 604370. Disease mechanism: loss of function.

Submission:

Brotman Baty Institute, University of Washington
No classification provided (evidence only). Condition: Breast-ovarian cancer, familial 1. Review status: no classification provided. Collection method: in vitro. Allele origin: not applicable. Functional consequence: functionally_normal.
ClinVar note: "not provided" was previously submitted as the classification for the variant. However, the classification appeared to be based only on an observation of functional data so it was converted to no classification on 2025-07-30.